The following is an entry in ClinVar:

ClinVar aggregate classification (germline): Uncertain significance (1 of 4 stars; one submission).

gnomAD v4.1: 1 of 1,608,528 alleles (0.000062%); highest among the groups gnomAD compares: Non-Finnish European, 0.000085%; no homozygotes.

Submission:

Labcorp Genetics (formerly Invitae), Labcorp
Classification: Uncertain significance. Last evaluated: 2024-02-24. Review status: criteria provided, single submitter. Criteria: Invitae Variant Classification Sherloc (09022015). Collection method: clinical testing. Allele origin: germline.
Comment: This sequence change affects codon 595 of the OCA2 mRNA. It is a 'silent' change, meaning that it does not change the encoded amino acid sequence of the OCA2 protein. It affects a nucleotide within the consensus splice site. This variant is not present in population databases (gnomAD no frequency). This variant has not been reported in the literature in individuals affected with OCA2-related conditions. ClinVar contains an entry for this variant (Variation ID: 1934448). Algorithms developed to predict the effect of sequence changes on RNA splicing suggest that this variant is not likely to affect RNA splicing. In summary, the available evidence is currently insufficient to determine the role of this variant in disease. Therefore, it has been classified as a Variant of Uncertain Significance.

NM_000275.3(OCA2):c.1785A>G (p.Arg595=)

Gene: OCA2 (OCA2 melanosomal transmembrane protein; minus strand). Cytogenetic location: 15q13.1.
Variant type: single nucleotide variant.
Coding change: c.1785A>G on transcript NM_000275.3 (MANE Select); coding-DNA position 1785, A replaced by G.
Protein change: p.Arg595=; no amino-acid change (arginine 595 retained).
Molecular consequence: synonymous variant.
Genome position (GRCh38, 1-based): chr15:27,955,215, T>C on the plus strand (A>G on the coding strand, the complement: OCA2 is on the minus strand). VCF-style: chr15-27955215-T-C. GRCh37 (hg19) VCF-style: chr15-28200361-T-C.
Other names: c.1713A>G, p.Arg571= (NM_001300984.2).
Identifiers: ClinVar variation 1934448 (VCV001934448.4), dbSNP rs141159640, ClinGen allele CA488959955.